The following is an entry in ClinVar:

NM_001173990.3(TMEM216):c.5T>C (p.Leu2Pro)

Gene: TMEM216 (transmembrane protein 216; plus strand). Cytogenetic location: 11q12.2.
Variant type: single nucleotide variant.
Coding change: c.5T>C on transcript NM_001173990.3 (MANE Select); coding-DNA position 5, T replaced by C.
Protein change: p.Leu2Pro; replaces leucine 2 with proline.
Molecular consequence: missense variant. On other transcripts: 5 prime UTR variant (2).
Genome position (GRCh38, 1-based): chr11:61,392,636, T>C. VCF-style: chr11-61392636-T-C. GRCh37 (hg19) VCF-style: chr11-61160108-T-C.
Other names: c.5T>C, p.Leu2Pro (NM_001173991.3); c.-193T>C (NM_001330285.2, NM_016499.6); c.5T>C (NM_001173991.2); short protein forms L2P.
Identifiers: ClinVar variation 193189 (VCV000193189.25), dbSNP rs569734777, ClinGen allele CA238698.

ClinVar aggregate classification (germline): Conflicting classifications of pathogenicity. Review status: criteria provided, conflicting classifications (1 of 4 stars). 7 submissions from 6 submitters: Uncertain significance (2); Benign (1); Likely benign (2). 2 of the submissions do not count toward it. Last evaluated 2026-01-24.

Conditions:
TMEM216-related disorder. Also called: TMEM216-related condition; TMEM216-related disorders.
Meckel syndrome, type 2 (MKS2). Also called: MKS2-Related Meckel Syndrome; MECKEL-GRUBER SYNDROME, TYPE 2. Identifiers: Orphanet 564, MedGen C1864148, MONDO:0011296, OMIM 603194.
Joubert syndrome. Also called: Familial aplasia of the vermis; JOUBERT-BOLTSHAUSER SYNDROME. Identifiers: Orphanet 475, MedGen C5979921, MONDO:0018772.
Joubert syndrome 2 (JBTS2). Also called: CEREBELLOOCULORENAL SYNDROME 2. Identifiers: Orphanet 2318, MedGen C1842577, MONDO:0011963, OMIM 608091.

Allele frequency attached by ClinVar (database versions not stated): gnomAD below 0.00001 and 0.00023; TOPMed 0.00004; 1000 Genomes Project 0.00200; 1000 Genomes Project 30x 0.00219; ExAC 0.00464.
gnomAD v4.1: 745 of 1,534,858 alleles (0.049%); highest among the groups gnomAD compares: South Asian, 0.85%; 10 homozygotes.

Submissions (7):

Labcorp Genetics (formerly Invitae), Labcorp
Classification: Benign for Joubert syndrome. Last evaluated: 2026-01-24. Review status: criteria provided, single submitter. Criteria: Invitae Variant Classification Sherloc (09022015). Collection method: clinical testing. Allele origin: germline.

Blueprint Genetics
Classification: Likely benign. Last evaluated: 2024-10-31. Review status: criteria provided, single submitter. Criteria: ACMG Guidelines, 2015. Collection method: clinical testing. Allele origin: germline.

Illumina Laboratory Services, Illumina
Classification: Likely benign for Joubert syndrome 2. Last evaluated: 2018-01-13. Review status: criteria provided, single submitter. Criteria: ICSL Variant Classification Criteria 13 December 2019. Collection method: clinical testing. Allele origin: germline.
Comment: This variant was observed in the ICSL laboratory as part of a predisposition screen in an ostensibly healthy population. It had not been previously curated by ICSL or reported in the Human Gene Mutation Database (HGMD: prior to June 1st, 2018), and was therefore a candidate for classification through an automated scoring system. Utilizing variant allele frequency, disease prevalence and penetrance estimates, and inheritance mode, an automated score was calculated to assess if this variant is too frequent to cause the disease. Based on the score and internal cut-off values, a variant classified as likely benign is not then subjected to further curation. The score for this variant resulted in a classification of likely benign for this disease.

Illumina Laboratory Services, Illumina
Classification: Uncertain significance for Meckel syndrome, type 2. Last evaluated: 2018-01-13. Review status: criteria provided, single submitter. Criteria: ICSL Variant Classification Criteria 13 December 2019. Collection method: clinical testing. Allele origin: germline.

Eurofins Ntd Llc (ga)
Classification: Uncertain significance. Last evaluated: 2014-05-21. Review status: criteria provided, single submitter. Criteria: EGL Classification Definitions 2015. Collection method: clinical testing. Allele origin: germline. Observed: 1 variant allele, 1 heterozygote.

Natera, Inc.
Classification: Benign for Joubert syndrome type 2. Last evaluated: 2020-04-14. Review status: no assertion criteria provided. Collection method: clinical testing. Allele origin: germline. Not counted in ClinVar's aggregate classification.

PreventionGenetics, part of Exact Sciences
Classification: Benign for TMEM216-related condition. Last evaluated: 2019-08-28. Review status: no assertion criteria provided. Collection method: clinical testing. Allele origin: germline. Not counted in ClinVar's aggregate classification.
Comment: This variant is classified as benign based on ACMG/AMP sequence variant interpretation guidelines (Richards et al. 2015 PMID: 25741868, with internal and published modifications).